The following is an entry in ClinVar:

NM_145290.4(ADGRA3):c.3263A>G (p.Lys1088Arg)

Gene: ADGRA3 (adhesion G protein-coupled receptor A3; minus strand). Cytogenetic location: 4p15.2.
Variant type: single nucleotide variant.
Coding change: c.3263A>G on transcript NM_145290.4 (MANE Select); coding-DNA position 3263, A replaced by G.
Protein change: p.Lys1088Arg; replaces lysine 1088 with arginine.
Molecular consequence: missense variant.
Genome position (GRCh38, 1-based): chr4:22,388,408, T>C on the plus strand (A>G on the coding strand, the complement: ADGRA3 is on the minus strand). VCF-style: chr4-22388408-T-C. GRCh37 (hg19) VCF-style: chr4-22390031-T-C.
Other names: short protein forms K1088R.
Identifiers: ClinVar variation 1915716 (VCV001915716.5), dbSNP rs1002678197, ClinGen allele CA93480437.

ClinVar aggregate classification (germline): Uncertain significance (1 of 4 stars; one submission).

Allele frequency attached by ClinVar (database versions not stated): gnomAD 0.00001; gnomAD exomes 0.00001; TOPMed 0.00003.
gnomAD v4.1: 10 of 1,613,904 alleles (0.00062%); highest among the groups gnomAD compares: South Asian, 0.0033%; no homozygotes.

Submission:

Labcorp Genetics (formerly Invitae), Labcorp
Classification: Uncertain significance. Last evaluated: 2022-08-12. Review status: criteria provided, single submitter. Criteria: Invitae Variant Classification Sherloc (09022015). Collection method: clinical testing. Allele origin: germline.
Comment: This sequence change replaces lysine, which is basic and polar, with arginine, which is basic and polar, at codon 1088 of the ADGRA3 protein (p.Lys1088Arg). This variant is present in population databases (no rsID available, gnomAD 0.003%). This variant has not been reported in the literature in individuals affected with ADGRA3-related conditions. Algorithms developed to predict the effect of missense changes on protein structure and function are either unavailable or do not agree on the potential impact of this missense change (SIFT: "Tolerated"; PolyPhen-2: "Probably Damaging"; Align-GVGD: "Class C0"). In summary, the available evidence is currently insufficient to determine the role of this variant in disease. Therefore, it has been classified as a Variant of Uncertain Significance.